The following is an entry in ClinVar:

ClinVar aggregate classification (germline): Uncertain significance. Review status: criteria provided, multiple submitters, no conflicts (2 of 4 stars). 2 submissions from 2 submitters: Uncertain significance (2). Last evaluated 2025-08-28.

gnomAD v4.1: 98 of 1,612,644 alleles (0.0061%); highest among the groups gnomAD compares: African/African-American, 0.033%; no homozygotes.

Submissions (2):

Ambry Genetics
Classification: Uncertain significance. Last evaluated: 2025-08-28. Review status: criteria provided, single submitter. Criteria: Ambry Variant Classification Scheme 2023. Collection method: clinical testing. Allele origin: germline.

GeneDx
Classification: Uncertain significance. Last evaluated: 2024-10-29. Review status: criteria provided, single submitter. Criteria: GeneDx Variant Classification Process June 2021. Collection method: clinical testing. Allele origin: germline. Affected: yes.
Comment: In silico analysis supports that this missense variant has a deleterious effect on protein structure/function; Has not been previously published as pathogenic or benign to our knowledge

NM_001012759.3(CTU2):c.1211C>T (p.Thr404Met)

Gene: CTU2 (cytosolic thiouridylase subunit 2; plus strand). Cytogenetic location: 16q24.3.
Variant type: single nucleotide variant.
Coding change: c.1211C>T on transcript NM_001012759.3 (MANE Select); coding-DNA position 1211, C replaced by T.
Protein change: p.Thr404Met; replaces threonine 404 with methionine.
Molecular consequence: missense variant.
Genome position (GRCh38, 1-based): chr16:88,714,596, C>T. VCF-style: chr16-88714596-C-T. GRCh37 (hg19) VCF-style: chr16-88781004-C-T.
Other names: c.1211C>T (NM_001012759.1); c.1211C>T, p.Thr404Met (NM_001012762.3); c.1424C>T, p.Thr475Met (NM_001318507.2); c.950C>T, p.Thr317Met (NM_001318513.2); short protein forms T317M, T404M, T475M.
Identifiers: ClinVar variation 3897285 (VCV003897285.2).